The following is an entry in ClinVar:

NM_003403.5(YY1):c.1190C>T (p.Ser397Leu)

Gene: YY1 (YY1 transcription factor; plus strand). Cytogenetic location: 14q32.2.
Variant type: single nucleotide variant.
Coding change: c.1190C>T on transcript NM_003403.5 (MANE Select); coding-DNA position 1190, C replaced by T.
Protein change: p.Ser397Leu; replaces serine 397 with leucine.
Molecular consequence: missense variant.
Genome position (GRCh38, 1-based): chr14:100,277,545, C>T. VCF-style: chr14-100277545-C-T. GRCh37 (hg19) VCF-style: chr14-100743882-C-T.
Other names: short protein forms S397L.
Identifiers: ClinVar variation 4070871 (VCV004070871.1).

ClinVar aggregate classification (germline): Uncertain significance (1 of 4 stars; one submission).

Submission:

GeneDx
Classification: Uncertain significance. Last evaluated: 2025-01-19. Review status: criteria provided, single submitter. Criteria: GeneDx Variant Classification Process June 2021. Collection method: clinical testing. Allele origin: germline. Affected: yes.
Comment: Not observed at significant frequency in large population cohorts (gnomAD); In silico analysis supports that this missense variant has a deleterious effect on protein structure/function; Has not been previously published as pathogenic or benign to our knowledge